The following is an entry in ClinVar:

NM_000140.5(FECH):c.903G>A (p.Trp301Ter)

Gene: FECH (ferrochelatase; minus strand). Cytogenetic location: 18q21.31.
Variant type: single nucleotide variant.
Coding change: c.903G>A on transcript NM_000140.5 (MANE Select); coding-DNA position 903, G replaced by A.
Protein change: p.Trp301Ter; replaces tryptophan 301 with a stop codon.
Molecular consequence: nonsense.
Genome position (GRCh38, 1-based): chr18:57,554,854, C>T on the plus strand (G>A on the coding strand, the complement: FECH is on the minus strand). VCF-style: chr18-57554854-C-T. GRCh37 (hg19) VCF-style: chr18-55222086-C-T.
Other names: c.921G>A, p.Trp307Ter (NM_001012515.4); c.804G>A, p.Trp268Ter (NM_001371094.1); c.687G>A, p.Trp229Ter (NM_001371095.1); c.903G>A, p.Trp301Ter (NM_001374778.1); short protein forms W229*, W307*, W301*, W268*.
Identifiers: ClinVar variation 3723155 (VCV003723155.2).
Genomic context (GRCh38, chr18:57,554,854, plus strand): 5'-ATAAATTTTACCAATAAGAGCTGGCCGCCCGCCAGTGTGGAAGCCACTTACCTTGGATTG[C>T]CACACCAGTCGGTAGGGGTTGCAGTACTCCAGCCTTTCCATGACTTTTTGGACAGTGGCG-3'

ClinVar aggregate classification (germline): Pathogenic (1 of 4 stars; one submission).

Submission:

Labcorp Genetics (formerly Invitae), Labcorp
Classification: Pathogenic. Last evaluated: 2024-03-08. Review status: criteria provided, single submitter. Criteria: Invitae Variant Classification Sherloc (09022015). Collection method: clinical testing. Allele origin: germline.
Comment: This sequence change creates a premature translational stop signal (p.Trp301*) in the FECH gene. It is expected to result in an absent or disrupted protein product. Loss-of-function variants in FECH are known to be pathogenic (PMID: 20105171, 23016163, 23364466). This variant is not present in population databases (gnomAD no frequency). This premature translational stop signal has been observed in individual(s) with erythropoietic protoporphyria (PMID: 9585598). For these reasons, this variant has been classified as Pathogenic.

Literature cited by the submitters: PubMed 20105171; PubMed 23016163; PubMed 23364466; PubMed 9585598.